The following is an entry in ClinVar:

NM_005138.3(SCO2):c.340C>T (p.Arg114Cys)

Genes: NCAPH2 (non-SMC condensin II complex subunit H2; plus strand), SCO2 (synthesis of cytochrome C oxidase 2; minus strand). Cytogenetic location: 22q13.33.
Variant type: single nucleotide variant.
Coding change: c.340C>T on transcript NM_005138.3 (MANE Select); coding-DNA position 340, C replaced by T.
Protein change: p.Arg114Cys; replaces arginine 114 with cysteine.
Molecular consequence: missense variant. On other transcripts: 3 prime UTR variant (2).
Genome position (GRCh38, 1-based): chr22:50,524,072, G>A on the plus strand (C>T on the coding strand, the complement: SCO2 is on the minus strand). VCF-style: chr22-50524072-G-A. GRCh37 (hg19) VCF-style: chr22-50962501-G-A.
Other names: c.*697G>A (NM_001185011.2, NM_152299.4); c.340C>T, p.Arg114Cys (NM_001169109.2, NM_001169110.1, NM_001169111.2); short protein forms R114C.
Identifiers: ClinVar variation 1476840 (VCV001476840.4), dbSNP rs372731740, ClinGen allele CA10321229.

ClinVar aggregate classification (germline): Uncertain significance (1 of 4 stars; one submission).

Allele frequency attached by ClinVar (database versions not stated): ExAC 0.00001; gnomAD 0.00001; gnomAD exomes 0.00001; TOPMed 0.00001; ESP Exome Variant Server 0.00008.
gnomAD v4.1: 9 of 1,613,100 alleles (0.00056%); highest among the groups gnomAD compares: South Asian, 0.0022%; no homozygotes.

Submission:

Labcorp Genetics (formerly Invitae), Labcorp
Classification: Uncertain significance. Last evaluated: 2022-04-09. Review status: criteria provided, single submitter. Criteria: Invitae Variant Classification Sherloc (09022015). Collection method: clinical testing. Allele origin: germline.
Comment: This sequence change replaces arginine, which is basic and polar, with cysteine, which is neutral and slightly polar, at codon 114 of the SCO2 protein (p.Arg114Cys). This variant is present in population databases (rs372731740, gnomAD 0.003%). This variant has not been reported in the literature in individuals affected with SCO2-related conditions. Algorithms developed to predict the effect of missense changes on protein structure and function output the following: SIFT: "Deleterious"; PolyPhen-2: "Benign"; Align-GVGD: "Class C15". The cysteine amino acid residue is found in multiple mammalian species, which suggests that this missense change does not adversely affect protein function. In summary, the available evidence is currently insufficient to determine the role of this variant in disease. Therefore, it has been classified as a Variant of Uncertain Significance.